The following is an entry in ClinVar:

NM_001211.6(BUB1B):c.2385+6A>C

Gene: BUB1B (BUB1 mitotic checkpoint serine/threonine kinase B; plus strand). Cytogenetic location: 15q15.1.
Variant type: single nucleotide variant.
Coding change: c.2385+6A>C on transcript NM_001211.6 (MANE Select); 6 bases into the intron after coding-DNA position 2385, A replaced by C.
Molecular consequence: intron variant.
Genome position (GRCh38, 1-based): chr15:40,210,216, A>C. VCF-style: chr15-40210216-A-C. GRCh37 (hg19) VCF-style: chr15-40502417-A-C.
Identifiers: ClinVar variation 1385221 (VCV001385221.6), dbSNP rs1432486988, ClinGen allele CA2573150687.

ClinVar aggregate classification (germline): Uncertain significance (1 of 4 stars; one submission).

Conditions:
Mosaic variegated aneuploidy syndrome 1 (MVA1). Also called: Warburton-Anyane-Yeboa syndrome. Identifiers: Orphanet 1052, MedGen C1850343, MONDO:0009759, OMIM 257300.

Submission:

Labcorp Genetics (formerly Invitae), Labcorp
Classification: Uncertain significance for Mosaic variegated aneuploidy syndrome 1. Last evaluated: 2020-10-29. Review status: criteria provided, single submitter. Criteria: Invitae Variant Classification Sherloc (09022015). Collection method: clinical testing. Allele origin: germline.
Comment: In summary, the available evidence is currently insufficient to determine the role of this variant in disease. Therefore, it has been classified as a Variant of Uncertain Significance. Nucleotide substitutions within the consensus splice site are a relatively common cause of aberrant splicing (PMID: 17576681, 9536098). Algorithms developed to predict the effect of sequence changes on RNA splicing suggest that this variant is not likely to affect RNA splicing, but this prediction has not been confirmed by published transcriptional studies. This variant has not been reported in the literature in individuals with BUB1B-related conditions. This variant is not present in population databases (ExAC no frequency). This sequence change falls in intron 18 of the BUB1B gene. It does not directly change the encoded amino acid sequence of the BUB1B protein. It affects a nucleotide within the consensus splice site of the intron.

Literature cited by the submitters: PubMed 17576681; PubMed 9536098.